The following is an entry in ClinVar:

ClinVar aggregate classification (germline): Uncertain significance (1 of 4 stars; one submission).

Conditions:
Nemaline myopathy 2 (NEM2). Also called: Nemaline myopathy 2, autosomal recessive. Identifiers: MedGen C1850569, MONDO:0009725, OMIM 256030.

Submission:

Labcorp Genetics (formerly Invitae), Labcorp
Classification: Uncertain significance for Nemaline myopathy 2. Last evaluated: 2022-02-18. Review status: criteria provided, single submitter. Criteria: Invitae Variant Classification Sherloc (09022015). Collection method: clinical testing. Allele origin: germline.
Comment: In summary, the available evidence is currently insufficient to determine the role of this variant in disease. Therefore, it has been classified as a Variant of Uncertain Significance. Algorithms developed to predict the effect of missense changes on protein structure and function output the following: SIFT: "Deleterious"; PolyPhen-2: "Not Available"; Align-GVGD: "Class C0". The glutamine amino acid residue is found in multiple mammalian species, which suggests that this missense change does not adversely affect protein function. This variant has not been reported in the literature in individuals affected with NEB-related conditions. This variant is not present in population databases (gnomAD no frequency). This sequence change replaces glutamic acid, which is acidic and polar, with glutamine, which is neutral and polar, at codon 7039 of the NEB protein (p.Glu7039Gln).

NM_001164508.2(NEB):c.21115G>C (p.Glu7039Gln)

Gene: NEB (nebulin; minus strand). Cytogenetic location: 2q23.3.
Variant type: single nucleotide variant.
Coding change: c.21115G>C on transcript NM_001164508.2 (MANE Select); coding-DNA position 21115, G replaced by C.
Protein change: p.Glu7039Gln; replaces glutamic acid 7039 with glutamine.
Molecular consequence: missense variant.
Genome position (GRCh38, 1-based): chr2:151,537,224, C>G on the plus strand (G>C on the coding strand, the complement: NEB is on the minus strand). VCF-style: chr2-151537224-C-G. GRCh37 (hg19) VCF-style: chr2-152393738-C-G.
Other names: c.21115G>C, p.Glu7039Gln (NM_001164507.2, NM_001271208.2); c.16012G>C, p.Glu5338Gln (NM_004543.5); short protein forms E7039Q, E5338Q.
Identifiers: ClinVar variation 1954248 (VCV001954248.5), dbSNP rs2552149551, ClinGen allele CA348775394.